The following is an entry in ClinVar:

NM_001376.5(DYNC1H1):c.7529T>C (p.Met2510Thr)

Gene: DYNC1H1 (dynein cytoplasmic 1 heavy chain 1; plus strand). Cytogenetic location: 14q32.31.
Variant type: single nucleotide variant.
Coding change: c.7529T>C on transcript NM_001376.5 (MANE Select); coding-DNA position 7529, T replaced by C.
Protein change: p.Met2510Thr; replaces methionine 2510 with threonine.
Molecular consequence: missense variant.
Genome position (GRCh38, 1-based): chr14:102,016,404, T>C. VCF-style: chr14-102016404-T-C. GRCh37 (hg19) VCF-style: chr14-102482741-T-C.
Other names: short protein forms M2510T.
Identifiers: ClinVar variation 2662643 (VCV002662643.4), dbSNP rs2503769861, ClinGen allele CA391002339.

ClinVar aggregate classification (germline): Uncertain significance. Review status: criteria provided, multiple submitters, no conflicts (2 of 4 stars). 2 submissions from 2 submitters: Uncertain significance (2). Last evaluated 2023-04-11.

Conditions:
Charcot-Marie-Tooth disease axonal type 2O. Also called: CHARCOT-MARIE-TOOTH NEUROPATHY, AXONAL, TYPE 2O; CHARCOT-MARIE-TOOTH DISEASE, AXONAL, AUTOSOMAL DOMINANT, TYPE 2O; Charcot-Marie-Tooth disease, axonal, type 20; Charcot-Marie-Tooth Neuropathy Type 2O. Identifiers: Orphanet 284232, MedGen C3280220, MONDO:0013644, OMIM 614228.

Submissions (2):

GeneDx
Classification: Uncertain significance. Last evaluated: 2023-04-11. Review status: criteria provided, single submitter. Criteria: GeneDx Variant Classification Process June 2021. Collection method: clinical testing. Allele origin: germline. Affected: yes.
Comment: Not observed at significant frequency in large population cohorts (gnomAD); In silico analysis supports that this missense variant does not alter protein structure/function; Has not been previously published as pathogenic or benign to our knowledge

Labcorp Genetics (formerly Invitae), Labcorp
Classification: Uncertain significance for Charcot-Marie-Tooth disease axonal type 2O. Last evaluated: 2022-12-27. Review status: criteria provided, single submitter. Criteria: Invitae Variant Classification Sherloc (09022015). Collection method: clinical testing. Allele origin: germline.
Comment: This sequence change replaces methionine, which is neutral and non-polar, with threonine, which is neutral and polar, at codon 2510 of the DYNC1H1 protein (p.Met2510Thr). In summary, the available evidence is currently insufficient to determine the role of this variant in disease. Therefore, it has been classified as a Variant of Uncertain Significance. Advanced modeling of protein sequence and biophysical properties (such as structural, functional, and spatial information, amino acid conservation, physicochemical variation, residue mobility, and thermodynamic stability) performed at Invitae indicates that this missense variant is not expected to disrupt DYNC1H1 protein function. This variant has not been reported in the literature in individuals affected with DYNC1H1-related conditions. This variant is not present in population databases (gnomAD no frequency).